The following is an entry in ClinVar:

ClinVar aggregate classification (germline): Likely benign. Review status: criteria provided, multiple submitters, no conflicts (2 of 4 stars). 5 submissions from 5 submitters: Likely benign (4). 1 of the submissions does not count toward it. Last evaluated 2024-11-25.

Conditions:
WFS1-related disorder. Identifiers: MedGen CN379391, MONDO:0700293.

Allele frequency attached by ClinVar (database versions not stated): gnomAD 0.00001 and 0.00004; TOPMed 0.00005; gnomAD exomes 0.00006; ExAC 0.00007; ESP Exome Variant Server 0.00008; 1000 Genomes Project 0.00040; 1000 Genomes Project 30x 0.00062.
gnomAD v4.1: 110 of 1,613,148 alleles (0.0068%); highest among the groups gnomAD compares: Middle Eastern, 0.033%; no homozygotes.

Submissions (5):

Labcorp Genetics (formerly Invitae), Labcorp
Classification: Likely benign. Last evaluated: 2024-11-25. Review status: criteria provided, single submitter. Criteria: Invitae Variant Classification Sherloc (09022015). Collection method: clinical testing. Allele origin: germline.

Blueprint Genetics
Classification: Likely benign. Last evaluated: 2024-10-15. Review status: criteria provided, single submitter. Criteria: ACMG Guidelines, 2015. Collection method: clinical testing. Allele origin: germline.

GeneDx
Classification: Likely benign. Last evaluated: 2021-01-26. Review status: criteria provided, single submitter. Criteria: GeneDx Variant Classification Process June 2021. Collection method: clinical testing. Allele origin: germline. Affected: yes.

Laboratory for Molecular Medicine, Mass General Brigham Personalized Medicine
Classification: Likely benign. Last evaluated: 2012-04-30. Review status: criteria provided, single submitter. Criteria: LMM Criteria. Collection method: clinical testing. Allele origin: germline. Observed: 1 variant allele.
Comment: Arg676Arg in Exon 08 of WFS1: This variant is not expected to have clinical significance because it does not alter an amino acid residue, is not located within the splice consensus sequence, and has been identified in 1/7020 European American chromosomes from a broad population by the NHLBI Exome Sequencing Project.

PreventionGenetics, part of Exact Sciences
Classification: Likely benign for WFS1-related condition. Last evaluated: 2020-07-14. Review status: no assertion criteria provided. Collection method: clinical testing. Allele origin: germline. Not counted in ClinVar's aggregate classification.
Comment: This variant is classified as likely benign based on ACMG/AMP sequence variant interpretation guidelines (Richards et al. 2015 PMID: 25741868, with internal and published modifications).

NM_006005.3(WFS1):c.2028C>T (p.Arg676=)

Gene: WFS1 (wolframin ER transmembrane glycoprotein; plus strand). Cytogenetic location: 4p16.1.
Variant type: single nucleotide variant.
Coding change: c.2028C>T on transcript NM_006005.3 (MANE Select); coding-DNA position 2028, C replaced by T.
Protein change: p.Arg676=; no amino-acid change (arginine 676 retained).
Molecular consequence: synonymous variant.
Genome position (GRCh38, 1-based): chr4:6,301,823, C>T. VCF-style: chr4-6301823-C-T. GRCh37 (hg19) VCF-style: chr4-6303550-C-T.
Other names: c.2028C>T, p.Arg676= (NM_001145853.1).
Identifiers: ClinVar variation 1120078 (VCV001120078.18), dbSNP rs201878061, ClinGen allele CA2839579.